The following is an entry in ClinVar:

ClinVar aggregate classification (germline): Likely benign (1 of 4 stars; one submission).

gnomAD v4.1: 13,894 of 1,612,178 alleles (0.86%); highest among the groups gnomAD compares: Non-Finnish European, 0.97%; 73 homozygotes.

Submission:

CeGaT Center for Human Genetics Tuebingen
Classification: Likely benign. Last evaluated: 2025-02-01. Review status: criteria provided, single submitter. Criteria: CeGaT Center For Human Genetics Tuebingen Variant Classification Criteria Version 2. Collection method: clinical testing. Allele origin: germline. Affected: yes. Observed: 1 variant allele.
Comment: CRAMP1: BP4, BP7, BS2

NM_020825.4(CRAMP1):c.3780C>T (p.Gly1260=)

Gene: CRAMP1 (cramped chromatin regulator 1; plus strand). Cytogenetic location: 16p13.3.
Variant type: single nucleotide variant.
Coding change: c.3780C>T on transcript NM_020825.4 (MANE Select); coding-DNA position 3780, C replaced by T.
Protein change: p.Gly1260=; no amino-acid change (glycine 1260 retained).
Molecular consequence: synonymous variant.
Genome position (GRCh38, 1-based): chr16:1,674,015, C>T. VCF-style: chr16-1674015-C-T. GRCh37 (hg19) VCF-style: chr16-1724016-C-T.
Identifiers: ClinVar variation 3770432 (VCV003770432.13).